The following is an entry in ClinVar:

NM_000817.3(GAD1):c.1002+4T>G

Gene: GAD1 (glutamate decarboxylase 1; plus strand). Cytogenetic location: 2q31.1.
Variant type: single nucleotide variant.
Coding change: c.1002+4T>G on transcript NM_000817.3 (MANE Select); 4 bases into the intron after coding-DNA position 1002, T replaced by G.
Molecular consequence: intron variant.
Genome position (GRCh38, 1-based): chr2:170,846,067, T>G. VCF-style: chr2-170846067-T-G. GRCh37 (hg19) VCF-style: chr2-171702577-T-G.
Identifiers: ClinVar variation 660060 (VCV000660060.41), dbSNP rs139531653, ClinGen allele CA1962799.
Genomic context (GRCh38, chr2:170,846,067, plus strand): 5'-AGGGGGAAAATAATTCCAGCTGATTTTGAGGCAAAAATTCTTGAAGCCAAACAGAAGGTA[T>G]GTACTCCGTGGTGCATCTGAACTCCAGTTTTAAAATACCTTCTTTCTGTCCTAGACAAAA-3'

ClinVar aggregate classification (germline): Conflicting classifications of pathogenicity. Review status: criteria provided, conflicting classifications (1 of 4 stars). 5 submissions from 5 submitters: Uncertain significance (2); Likely benign (2). 1 of the submissions does not count toward it. Last evaluated 2025-12-17.

Conditions:
Inborn genetic diseases. Identifiers: MedGen C0950123, MeSH D030342.
GAD1-related disorder. Also called: GAD1-related condition.
Neurodevelopmental disorder with progressive spasticity and brain white matter abnormalities. Also called: CEREBRAL PALSY, SPASTIC QUADRIPLEGIC, 1. Identifiers: Orphanet 210141, Orphanet 641353, MedGen C5436628, MONDO:0033613, OMIM 619026.

Allele frequency attached by ClinVar (database versions not stated): ESP Exome Variant Server 0.00046; ExAC 0.00059; gnomAD 0.00060; 1000 Genomes Project 30x 0.00125; 1000 Genomes Project 0.00140; TOPMed 0.00142.
gnomAD v4.1: 752 of 1,611,852 alleles (0.047%); highest among the groups gnomAD compares: Middle Eastern, 0.48%; 4 homozygotes.

Submissions (5):

Labcorp Genetics (formerly Invitae), Labcorp
Classification: Likely benign for Neurodevelopmental disorder with progressive spasticity and brain white matter abnormalities. Last evaluated: 2025-12-17. Review status: criteria provided, single submitter. Criteria: Invitae Variant Classification Sherloc (09022015). Collection method: clinical testing. Allele origin: germline.

CeGaT Center for Human Genetics Tuebingen
Classification: Likely benign. Last evaluated: 2025-08-01. Review status: criteria provided, single submitter. Criteria: CeGaT Center For Human Genetics Tuebingen Variant Classification Criteria Version 2. Collection method: clinical testing. Allele origin: germline. Affected: yes. Observed: 3 variant alleles.
Comment: GAD1: BP4, BS2

Ambry Genetics
Classification: Uncertain significance for Inborn genetic diseases. Last evaluated: 2024-02-07. Review status: criteria provided, single submitter. Criteria: Ambry Variant Classification Scheme 2023. Collection method: clinical testing. Allele origin: germline.
Comment: The c.1002+4T>G intronic alteration consists of a T to G substitution 4 nucleotides after exon 10 (coding exon 9) of the GAD1 gene. Based on insufficient or conflicting evidence, the clinical significance of this alteration remains unclear.

Illumina Laboratory Services, Illumina
Classification: Uncertain significance. Last evaluated: 2018-01-13. Review status: criteria provided, single submitter. Criteria: ICSL Variant Classification Criteria 13 December 2019. Collection method: clinical testing. Allele origin: germline.

PreventionGenetics, part of Exact Sciences
Classification: Likely benign for GAD1-related condition. Last evaluated: 2022-05-18. Review status: no assertion criteria provided. Collection method: clinical testing. Allele origin: germline. Not counted in ClinVar's aggregate classification.
Comment: This variant is classified as likely benign based on ACMG/AMP sequence variant interpretation guidelines (Richards et al. 2015 PMID: 25741868, with internal and published modifications).